The following is an entry in ClinVar:

ClinVar aggregate classification (germline): Uncertain significance (1 of 4 stars; one submission).

Submission:

Labcorp Genetics (formerly Invitae), Labcorp
Classification: Uncertain significance. Last evaluated: 2022-01-21. Review status: criteria provided, single submitter. Criteria: Invitae Variant Classification Sherloc (09022015). Collection method: clinical testing. Allele origin: germline.
Comment: Algorithms developed to predict the effect of missense changes on protein structure and function (SIFT, PolyPhen-2, Align-GVGD) all suggest that this variant is likely to be tolerated. This sequence change replaces aspartic acid, which is acidic and polar, with glutamic acid, which is acidic and polar, at codon 1508 of the MCM3AP protein (p.Asp1508Glu). This variant is not present in population databases (gnomAD no frequency). This variant has not been reported in the literature in individuals affected with MCM3AP-related conditions. In summary, the available evidence is currently insufficient to determine the role of this variant in disease. Therefore, it has been classified as a Variant of Uncertain Significance.

NM_003906.5(MCM3AP):c.4524C>A (p.Asp1508Glu)

Genes: MCM3AP (minichromosome maintenance complex component 3 associated protein; minus strand), MCM3AP-AS1 (MCM3AP antisense RNA 1; plus strand). Cytogenetic location: 21q22.3.
Variant type: single nucleotide variant.
Coding change: c.4524C>A on transcript NM_003906.5 (MANE Select); coding-DNA position 4524, C replaced by A.
Protein change: p.Asp1508Glu; replaces aspartic acid 1508 with glutamic acid.
Molecular consequence: missense variant.
Genome position (GRCh38, 1-based): chr21:46,246,653, G>T on the plus strand (C>A on the coding strand, the complement: MCM3AP is on the minus strand). VCF-style: chr21-46246653-G-T. GRCh37 (hg19) VCF-style: chr21-47666567-G-T.
Other names: short protein forms D1508E.
Identifiers: ClinVar variation 2088944 (VCV002088944.4), dbSNP rs927957002, ClinGen allele CA410545104.